The following is an entry in ClinVar:

ClinVar aggregate classification (germline): Uncertain significance (1 of 4 stars; one submission).

Conditions:
Hereditary cancer-predisposing syndrome. Also called: Neoplastic Syndromes, Hereditary; Tumor predisposition; Hereditary Cancer Syndrome; Hereditary neoplastic syndrome. Identifiers: Orphanet 140162, MedGen C0027672, MeSH D009386, MONDO:0015356.

Submission:

Ambry Genetics
Classification: Uncertain significance for Hereditary cancer-predisposing syndrome. Last evaluated: 2022-08-01. Review status: criteria provided, single submitter. Criteria: Ambry Variant Classification Scheme 2023. Collection method: clinical testing. Allele origin: germline.
Comment: The p.S127R variant (also known as c.381C>A), located in coding exon 3 of the APC gene, results from a C to A substitution at nucleotide position 381. The serine at codon 127 is replaced by arginine, an amino acid with dissimilar properties. This amino acid position is conserved. In addition, in silico predictors for this gene do not accurately predict pathogenicity. Since supporting evidence is limited at this time, the clinical significance of this alteration remains unclear.

NM_000038.6(APC):c.381C>A (p.Ser127Arg)

Gene: APC (APC regulator of Wnt signaling pathway; plus strand). Cytogenetic location: 5q22.2.
Variant type: single nucleotide variant.
Coding change: c.381C>A on transcript NM_000038.6 (MANE Select); coding-DNA position 381, C replaced by A.
Protein change: p.Ser127Arg; replaces serine 127 with arginine.
Molecular consequence: missense variant. On other transcripts: 5 prime UTR variant (1).
Genome position (GRCh38, 1-based): chr5:112,767,349, C>A. VCF-style: chr5-112767349-C-A. GRCh37 (hg19) VCF-style: chr5-112103046-C-A.
Other names: c.381C>A, p.Ser127Arg (NM_001127510.3, NM_001354895.2, NM_001354896.2 and 16 more transcripts); c.411C>A, p.Ser137Arg (NM_001127511.3, NM_001354897.2, NM_001354902.2 and 1 more transcripts); c.306C>A, p.Ser102Arg (NM_001354898.2, NM_001354904.2, NM_001407451.1); c.204C>A, p.Ser68Arg (NM_001354900.2, NM_001354901.2, NM_001354905.2 and 1 more transcripts); c.-655C>A (NM_001354906.2, NM_001407470.1, NM_001407471.1 and 1 more transcripts); short protein forms S102R, S127R, S68R, S137R.
Identifiers: ClinVar variation 1735233 (VCV001735233.2), dbSNP rs2149789550, ClinGen allele CA16022150.